The following is an entry in ClinVar:

NM_004577.4(PSPH):c.148C>T (p.Arg50Ter)

Gene: PSPH (phosphoserine phosphatase; minus strand). Cytogenetic location: 7p11.2.
Variant type: single nucleotide variant.
Coding change: c.148C>T on transcript NM_004577.4 (MANE Select); coding-DNA position 148, C replaced by T.
Protein change: p.Arg50Ter; replaces arginine 50 with a stop codon.
Molecular consequence: nonsense.
Genome position (GRCh38, 1-based): chr7:56,019,727, G>A on the plus strand (C>T on the coding strand, the complement: PSPH is on the minus strand). VCF-style: chr7-56019727-G-A. GRCh37 (hg19) VCF-style: chr7-56087420-G-A.
Other names: c.148C>T, p.Arg50Ter (NM_001370503.1, NM_001370504.1, NM_001370505.1 and 17 more transcripts); short protein forms R50*.
Identifiers: ClinVar variation 4088159 (VCV004088159.1).
Genomic context (GRCh38, chr7:56,019,727, plus strand): 5'-GGATGAGGGCTAAGCGCTCTGTGAGAGCAGCTTTGAAAGGCACTGCCCCGCCCATGGCTC[G>A]CCGTGTCCTAGGAGGGAGACCCAACAGTCAGGCCAGCCAGGTCCGATGTCCTCAAGGTTA-3'

ClinVar aggregate classification (germline): Pathogenic (1 of 4 stars; one submission).

gnomAD v4.1: 8 of 1,613,244 alleles (0.0005%); highest among the groups gnomAD compares: South Asian, 0.0044%; no homozygotes.

Submission:

GeneDx
Classification: Pathogenic. Last evaluated: 2025-03-29. Review status: criteria provided, single submitter. Criteria: GeneDx Variant Classification Process June 2021. Collection method: clinical testing. Allele origin: germline. Affected: yes.
Comment: Nonsense variant predicted to result in protein truncation or nonsense mediated decay in a gene for which loss of function is a known mechanism of disease; Not observed at significant frequency in large population cohorts (gnomAD); Has not been previously published as pathogenic or benign to our knowledge